The following is an entry in ClinVar:

ClinVar aggregate classification (germline): Uncertain significance (1 of 4 stars; one submission).

gnomAD v4.1: 42 of 1,613,950 alleles (0.0026%); highest among the groups gnomAD compares: Non-Finnish European, 0.0032%; no homozygotes.

Submission:

Labcorp Genetics (formerly Invitae), Labcorp
Classification: Uncertain significance. Last evaluated: 2023-08-17. Review status: criteria provided, single submitter. Criteria: Invitae Variant Classification Sherloc (09022015). Collection method: clinical testing. Allele origin: germline.
Comment: ClinVar contains an entry for this variant (Variation ID: 1402869). In summary, the available evidence is currently insufficient to determine the role of this variant in disease. Therefore, it has been classified as a Variant of Uncertain Significance. An algorithm developed to predict the effect of missense changes on protein structure and function (PolyPhen-2) suggests that this variant¬†is likely to be tolerated. This variant has not been reported in the literature in individuals affected with DYNC2LI1-related conditions. This variant is present in population databases (rs773981319, gnomAD 0.002%). This sequence change replaces proline, which is neutral and non-polar, with leucine, which is neutral and non-polar, at codon 165 of the DYNC2LI1 protein (p.Pro165Leu).

NM_016008.4(DYNC2LI1):c.494C>T (p.Pro165Leu)

Gene: DYNC2LI1 (dynein cytoplasmic 2 light intermediate chain 1; plus strand). Cytogenetic location: 2p21.
Variant type: single nucleotide variant.
Coding change: c.494C>T on transcript NM_016008.4 (MANE Select); coding-DNA position 494, C replaced by T.
Protein change: p.Pro165Leu; replaces proline 165 with leucine.
Molecular consequence: missense variant.
Genome position (GRCh38, 1-based): chr2:43,794,630, C>T. VCF-style: chr2-43794630-C-T. GRCh37 (hg19) VCF-style: chr2-44021769-C-T.
Other names: c.494C>T, p.Pro165Leu (NM_001193464.2, NM_001348912.2, NM_001348913.2 and 1 more transcripts); short protein forms P165L.
Identifiers: ClinVar variation 1402869 (VCV001402869.6), dbSNP rs773981319, ClinGen allele CA1635848.